The following is an entry in ClinVar:

ClinVar aggregate classification (germline): Pathogenic. Review status: criteria provided, multiple submitters, no conflicts (2 of 4 stars). 7 submissions from 7 submitters: Pathogenic (6). 1 of the submissions does not count toward it. Last evaluated 2026-01-20.

Conditions:
FANCA-related disorder. Also called: FANCA-related condition.
FANCA-related disorders.
Fanconi anemia (FA). Also called: Fanconi's anemia. Identifiers: Orphanet 84, MedGen C0015625, MeSH D005199, MONDO:0019391.
Fanconi anemia complementation group A (FANCA). Also called: Fanconi anemia, group A; FANCA-Related Fanconi Anemia. Identifiers: Orphanet 84, MedGen C3469521, MONDO:0009215, OMIM 227650.

Allele frequency attached by ClinVar (database versions not stated): gnomAD exomes below 0.00001; ExAC 0.00001.
gnomAD v4.1: 6 of 1,612,430 alleles (0.00037%); highest among the groups gnomAD compares: East Asian, 0.0022%; no homozygotes.

Submissions (8):

Labcorp Genetics (formerly Invitae), Labcorp
Classification: Pathogenic for Fanconi anemia. Last evaluated: 2026-01-20. Review status: criteria provided, single submitter. Criteria: Invitae Variant Classification Sherloc (09022015). Collection method: clinical testing. Allele origin: germline.
Comment: This sequence change affects a donor splice site in intron 33 of the FANCA gene. It is expected to disrupt RNA splicing. Variants that disrupt the donor or acceptor splice site typically lead to a loss of protein function (PMID: 16199547), and loss-of-function variants in FANCA are known to be pathogenic (PMID: 19367192). This variant is present in population databases (rs751266148, gnomAD 0.0009%). Disruption of this splice site has been observed in individual(s) with Fanconi anemia (PMID: 23613520, 24584348). In at least one individual the data is consistent with being in trans (on the opposite chromosome) from a pathogenic variant. ClinVar contains an entry for this variant (Variation ID: 553239). Algorithms developed to predict the effect of sequence changes on RNA splicing suggest that this variant may disrupt the consensus splice site. For these reasons, this variant has been classified as Pathogenic.

Dasa
Classification: Pathogenic. Last evaluated: 2025-10-08. Review status: criteria provided, single submitter. Criteria: DASA Assertion Criteria. Collection method: clinical testing. Allele origin: germline.
Comment: NM_000135.4(FANCA):c.3348+1G>A introduces a premature termination codon predicted to result in loss of normal protein function. Loss-of-function is an established mechanism of disease for this gene. This variant has been observed in affected individuals with related phenotype in a genotype context consistent with recessive disease (PMID: 23613520; PMID: 24584348). This variant has been recurrently observed in individuals with related phenotype (PMID: 23613520; PMID: 24584348). The variant is present at low frequency in population datasets. Based on the available data, this variant is classified as pathogenic.

PreventionGenetics, part of Exact Sciences
Classification: Pathogenic for FANCA-related condition. Last evaluated: 2023-05-17. Review status: criteria provided, single submitter. Criteria: ACMG Guidelines, 2015. Collection method: clinical testing. Allele origin: germline.
Comment: The FANCA c.3348+1G>A variant is predicted to disrupt the GT donor site and interfere with normal splicing. This variant was reported in multiple individuals with Fanconi anemia (Chandrasekharappa et al 2013. PubMed ID: 23613520, Table 1; Nia et al 2016. PubMed ID: 27041517, Table 2; De Rocco et al 2014. PubMed ID: 24584348, Table 1). This variant is reported in 0.00088% of alleles in individuals of European (Non-Finnish) descent in gnomAD. This variant is predicted to disrupt a consensus splice donor site (Alamut Visual Plus v1.6.1). Variants that disrupt the consensus splice donor site in FANCA are expected to be pathogenic. This variant is interpreted as pathogenic.

Blueprint Genetics
Classification: Pathogenic for FANCA-related disorders. Last evaluated: 2022-08-04. Review status: criteria provided, single submitter. Criteria: ACMG Guidelines, 2015. Collection method: clinical testing. Allele origin: germline. Affected: yes. Observed: 2 variant alleles.

Knight Diagnostic Laboratories, Oregon Health and Sciences University
Classification: Pathogenic. Last evaluated: 2017-08-04. Review status: criteria provided, single submitter. Criteria: ACMG Guidelines, 2015. Collection method: clinical testing. Allele origin: germline. Observed: 2 variant alleles.

Juno Genomics, Hangzhou Juno Genomics, Inc
Classification: Pathogenic for Fanconi anemia complementation group A. Review status: criteria provided, single submitter. Criteria: ACMG Guidelines, 2015. Collection method: clinical testing. Allele origin: germline. Affected: yes.
Comment: Absent from controls (or at extremely low frequency if recessive) in Genome Aggregation Database, Exome Sequencing Project, 1000 Genomes Project, or Exome Aggregation Consortium.;Null variant in a gene where loss of function (LOF) is a known mechanism of disease.;For recessive disorders, detected in trans with a pathogenic variant.

Counsyl
Classification: Pathogenic for Fanconi anemia complementation group A. Last evaluated: 2017-08-08. Review status: no assertion criteria provided. Collection method: clinical testing. Allele origin: unknown. Not counted in ClinVar's aggregate classification.

Dr. Peter K. Rogan Lab, Western University
No classification provided (evidence only). Condition: Colorectal cancer. Review status: no classification provided. Collection method: in vitro. Allele origin: not applicable. Functional consequence: skipped exon, retained intron. Not counted in ClinVar's aggregate classification.

Literature cited by the submitters: PubMed 16199547 (cited by Labcorp Genetics (formerly Invitae), Labcorp); PubMed 19367192 (cited by Labcorp Genetics (formerly Invitae), Labcorp); PubMed 23613520 (cited by 3 submitters); PubMed 24584348 (cited by 3 submitters); PubMed 27041517 (cited by Counsyl).

NM_000135.4(FANCA):c.3348+1G>A

Gene: FANCA (FA complementation group A; minus strand). Cytogenetic location: 16q24.3.
Variant type: single nucleotide variant.
Coding change: c.3348+1G>A on transcript NM_000135.4 (MANE Select); the canonical splice donor site of the intron after coding-DNA position 3348, G replaced by A.
Molecular consequence: splice donor variant.
Genome position (GRCh38, 1-based): chr16:89,748,658, C>T on the plus strand (G>A on the coding strand, the complement: FANCA is on the minus strand). VCF-style: chr16-89748658-C-T. GRCh37 (hg19) VCF-style: chr16-89815066-C-T.
Other names: c.3348+1G>A (NM_001286167.3).
Identifiers: ClinVar variation 553239 (VCV000553239.20), dbSNP rs751266148, ClinGen allele CA8251231.